The following is an entry in ClinVar:

NM_152564.5(VPS13B):c.9242A>G (p.Glu3081Gly)

Gene: VPS13B (vacuolar protein sorting 13 homolog B; plus strand). Cytogenetic location: 8q22.2.
Variant type: single nucleotide variant.
Coding change: c.9242A>G on transcript NM_152564.5 (MANE Select); coding-DNA position 9242, A replaced by G.
Protein change: p.Glu3081Gly; replaces glutamic acid 3081 with glycine.
Molecular consequence: missense variant.
Genome position (GRCh38, 1-based): chr8:99,823,890, A>G. VCF-style: chr8-99823890-A-G. GRCh37 (hg19) VCF-style: chr8-100836118-A-G.
Other names: c.9317A>G (NM_017890.3); c.9317A>G, p.Glu3106Gly (NM_017890.5); c.9242A>G (NM_152564.4); short protein forms E3081G, E3106G.
Identifiers: ClinVar variation 991550 (VCV000991550.7), dbSNP rs1814518745, ClinGen allele CA371780082.

ClinVar aggregate classification (germline): Uncertain significance. Review status: criteria provided, multiple submitters, no conflicts (2 of 4 stars). 5 submissions from 5 submitters: Uncertain significance (3). 2 of the submissions do not count toward it. Last evaluated 2025-05-14.

Conditions:
VPS13B-related disorder. Also called: VPS13B-related condition.
Cohen syndrome (COH1). Also called: PEPPER SYNDROME; Cutis verticis gyrata, retinitis pigmentosa, and sensorineural deafness. Identifiers: Orphanet 193, MedGen C0265223, MONDO:0008999, OMIM 216550.
Inborn genetic diseases. Identifiers: MedGen C0950123, MeSH D030342.

Allele frequency attached by ClinVar (database versions not stated): TOPMed 0.00001.
gnomAD v4.1: 1 of 1,613,478 alleles (0.000062%); highest among the groups gnomAD compares: Non-Finnish European, 0.000085%; no homozygotes.

Submissions (5):

Ambry Genetics
Classification: Uncertain significance for Inborn genetic diseases. Last evaluated: 2025-05-14. Review status: criteria provided, single submitter. Criteria: Ambry Variant Classification Scheme 2023. Collection method: clinical testing. Allele origin: germline.

GeneDx
Classification: Uncertain significance. Last evaluated: 2023-10-31. Review status: criteria provided, single submitter. Criteria: GeneDx Variant Classification Process June 2021. Collection method: clinical testing. Allele origin: germline. Affected: yes.
Comment: Not observed at significant frequency in large population cohorts (gnomAD); In silico analysis supports that this missense variant has a deleterious effect on protein structure/function; Has not been previously published as pathogenic or benign to our knowledge

Labcorp Genetics (formerly Invitae), Labcorp
Classification: Uncertain significance for Cohen syndrome. Last evaluated: 2022-08-23. Review status: criteria provided, single submitter. Criteria: Invitae Variant Classification Sherloc (09022015). Collection method: clinical testing. Allele origin: germline.
Comment: This sequence change replaces glutamic acid, which is acidic and polar, with glycine, which is neutral and non-polar, at codon 3106 of the VPS13B protein (p.Glu3106Gly). This variant is not present in population databases (gnomAD no frequency). This variant has not been reported in the literature in individuals affected with VPS13B-related conditions. ClinVar contains an entry for this variant (Variation ID: 991550). Algorithms developed to predict the effect of missense changes on protein structure and function are either unavailable or do not agree on the potential impact of this missense change (SIFT: "Not Available"; PolyPhen-2: "Benign"; Align-GVGD: "Not Available"). In summary, the available evidence is currently insufficient to determine the role of this variant in disease. Therefore, it has been classified as a Variant of Uncertain Significance.

PreventionGenetics, part of Exact Sciences
Classification: Uncertain significance for VPS13B-related condition. Last evaluated: 2024-09-11. Review status: no assertion criteria provided. Collection method: clinical testing. Allele origin: germline. Not counted in ClinVar's aggregate classification.
Comment: The VPS13B c.9242A>G variant is predicted to result in the amino acid substitution p.Glu3081Gly. To our knowledge, this variant has not been reported in the literature or in a large population database, indicating this variant is rare. At this time, the clinical significance of this variant is uncertain due to the absence of conclusive functional and genetic evidence.

Natera, Inc.
Classification: Uncertain significance for Cohen syndrome. Last evaluated: 2020-08-15. Review status: no assertion criteria provided. Collection method: clinical testing. Allele origin: germline. Not counted in ClinVar's aggregate classification.